The following is an entry in ClinVar:

NM_005670.4(EPM2A):c.406A>G (p.Thr136Ala)

Gene: EPM2A (EPM2A glucan phosphatase, laforin; minus strand). Cytogenetic location: 6q24.3.
Variant type: single nucleotide variant.
Coding change: c.406A>G on transcript NM_005670.4 (MANE Select); coding-DNA position 406, A replaced by G.
Protein change: p.Thr136Ala; replaces threonine 136 with alanine.
Molecular consequence: missense variant. On other transcripts: 5 prime UTR variant (5), non-coding transcript variant (1).
Genome position (GRCh38, 1-based): chr6:145,686,192, T>C on the plus strand (A>G on the coding strand, the complement: EPM2A is on the minus strand). VCF-style: chr6-145686192-T-C. GRCh37 (hg19) VCF-style: chr6-146007328-T-C.
Other names: c.406A>G, p.Thr136Ala (NM_001018041.2, NM_001360057.2, NM_001368130.1); c.-9A>G (NM_001360064.2, NM_001360071.2, NM_001368131.1); c.-218A>G (NM_001368129.2, NM_001368132.1); short protein forms T136A.
Identifiers: ClinVar variation 1040897 (VCV001040897.8), dbSNP rs746523076, ClinGen allele CA4035176.
Genomic context (GRCh38, chr6:145,686,192, plus strand): 5'-GCATGGCTTGGTGGCCTGCAATATTAAAATAGAAGTCTGTTGTGTGCTTCATTTCATTGG[T>C]GTGCCCAGTGGCCTCAATCCAGTGTCCTATTGGGAGACAATACACACCATCCACCAAGTT-3'
Protein context (NP_005661.1, residues 126-146): IGHWIEATGH[Thr136Ala]NEMKHTTDFY

ClinVar aggregate classification (germline): Uncertain significance (1 of 4 stars; one submission).

Conditions:
Progressive myoclonic epilepsy. Also called: Familial progressive myoclonic epilepsy; Myoclonic Epilepsies, Progressive; Myoclonus epilepsy; Progressive myoclonus epilepsy. Identifiers: Orphanet 308, Orphanet 98261, MedGen C0751778, MONDO:0020074.

Allele frequency attached by ClinVar (database versions not stated): gnomAD exomes below 0.00001; TOPMed below 0.00001; ExAC 0.00001.
gnomAD v4.1: 4 of 1,613,944 alleles (0.00025%); highest among the groups gnomAD compares: East Asian, 0.0022%; no homozygotes.

Submission:

Labcorp Genetics (formerly Invitae), Labcorp
Classification: Uncertain significance for Progressive myoclonic epilepsy. Last evaluated: 2020-07-13. Review status: criteria provided, single submitter. Criteria: Invitae Variant Classification Sherloc (09022015). Collection method: clinical testing. Allele origin: germline.
Comment: In summary, the available evidence is currently insufficient to determine the role of this variant in disease. Therefore, it has been classified as a Variant of Uncertain Significance. Algorithms developed to predict the effect of missense changes on protein structure and function are either unavailable or do not agree on the potential impact of this missense change (SIFT: "Deleterious"; PolyPhen-2: "Possibly Damaging"; Align-GVGD: "Class C0"). This variant has not been reported in the literature in individuals with EPM2A-related conditions. This variant is present in population databases (rs746523076, ExAC 0.01%). This sequence change replaces threonine with alanine at codon 136 of the EPM2A protein (p.Thr136Ala). The threonine residue is highly conserved and there is a small physicochemical difference between threonine and alanine.